The following is an entry in ClinVar:

NM_002860.4(ALDH18A1):c.545del (p.Ile182fs)

Gene: ALDH18A1 (aldehyde dehydrogenase 18 family member A1; minus strand). Cytogenetic location: 10q24.1.
Variant type: Deletion.
Coding change: c.545del on transcript NM_002860.4 (MANE Select); coding-DNA position 545, one base deleted (T; older notation c.545delT).
Protein change: p.Ile182fs; shifts the reading frame from isoleucine 182.
Molecular consequence: frameshift variant. On other transcripts: intron variant (2).
Genome position (GRCh38, 1-based): chr10:95,637,106, A deleted on the plus strand (T on the coding strand, the reverse complement: ALDH18A1 is on the minus strand). VCF-style (leftmost placement, unchanged base first): chr10-95637105-GA-G. GRCh37 (hg19) VCF-style: chr10-97396862-GA-G.
Other names: c.545del, p.Ile182fs (NM_001017423.2, NM_001323413.2, NM_001323414.2 and 1 more transcripts); c.212del, p.Ile71fs (NM_001323412.2, NM_001323416.2, NM_001323418.2); c.-78-3457del (NM_001323419.2); c.453+181del (NM_001323417.2); short protein forms I71fs, I182fs.
Identifiers: ClinVar variation 2003911 (VCV002003911.4), dbSNP rs2526897392, ClinGen allele CA2580082578.
Genomic context (GRCh38, chr10:95,637,105, plus strand): 5'-CAACCACCCTCACAGGTCCCACACCCATTTCAAAGCCCAGCCTCTCACCTGGGCAGCACA[GA>G]TGCTGTACTGGGTAAACATAGCCTCATACAAGGCCATCAGCCCACTCTGTCCGGCAGCTG-3'

ClinVar aggregate classification (germline): Pathogenic (1 of 4 stars; one submission).

Conditions:
Cutis laxa, autosomal dominant 3 (ADCL3). Identifiers: Orphanet 90348, MedGen C4225268, MONDO:0014706, OMIM 616603.
Autosomal dominant spastic paraplegia type 9. Identifiers: MedGen C1832669, MONDO:0015091.
de Barsy syndrome. Also called: Cutis laxa-corneal clouding-oligophrenia syndrome. Identifiers: Orphanet 2962, MedGen C0268354, MONDO:0017569.

Submission:

Labcorp Genetics (formerly Invitae), Labcorp
Classification: Pathogenic for Autosomal dominant spastic paraplegia type 9; de Barsy syndrome; Cutis laxa, autosomal dominant 3. Last evaluated: 2022-06-09. Review status: criteria provided, single submitter. Criteria: Invitae Variant Classification Sherloc (09022015). Collection method: clinical testing. Allele origin: germline.
Comment: For these reasons, this variant has been classified as Pathogenic. This variant has not been reported in the literature in individuals affected with ALDH18A1-related conditions. This variant is not present in population databases (gnomAD no frequency). This sequence change creates a premature translational stop signal (p.Ile182Thrfs*8) in the ALDH18A1 gene. It is expected to result in an absent or disrupted protein product. Loss-of-function variants in ALDH18A1 are known to be pathogenic (PMID: 21739576, 24913064, 28567303, 28604674, 29915212).

Literature cited by the submitters: PubMed 21739576; PubMed 24913064; PubMed 28567303; PubMed 28604674; PubMed 29915212.